The following is an entry in ClinVar:

ClinVar aggregate classification (germline): Uncertain significance (1 of 4 stars; one submission).

Conditions:
PLXNA1-related disorder. Also called: PLXNA1-related condition.

gnomAD v4.1: 10 of 1,613,080 alleles (0.00062%); highest among the groups gnomAD compares: South Asian, 0.011%; no homozygotes.

Submission:

PreventionGenetics, part of Exact Sciences
Classification: Uncertain significance for PLXNA1-related condition. Last evaluated: 2026-02-09. Review status: criteria provided, single submitter. Criteria: ACMG Guidelines, 2015. Collection method: clinical testing. Allele origin: germline.
Comment: The PLXNA1 c.3595C>T variant is predicted to result in the amino acid substitution p.Leu1199Phe. To our knowledge, this variant has not been reported in the literature. This variant is reported in 0.0033% of alleles in individuals of South Asian descent in gnomAD. At this time, the clinical significance of this variant is uncertain due to the absence of conclusive functional and genetic evidence.

NM_032242.4(PLXNA1):c.3595C>T (p.Leu1199Phe)

Gene: PLXNA1 (plexin A1; plus strand). Cytogenetic location: 3q21.3.
Variant type: single nucleotide variant.
Coding change: c.3595C>T on transcript NM_032242.4 (MANE Select); coding-DNA position 3595, C replaced by T.
Protein change: p.Leu1199Phe; replaces leucine 1199 with phenylalanine.
Molecular consequence: missense variant.
Genome position (GRCh38, 1-based): chr3:127,017,827, C>T. VCF-style: chr3-127017827-C-T. GRCh37 (hg19) VCF-style: chr3-126736670-C-T.
Other names: short protein forms L1199F.
Identifiers: ClinVar variation 4980745 (VCV004980745.1).